The following is an entry in ClinVar:

NM_006514.4(SCN10A):c.3743C>T (p.Ala1248Val)

Gene: SCN10A (sodium voltage-gated channel alpha subunit 10; minus strand). Cytogenetic location: 3p22.2.
Variant type: single nucleotide variant.
Coding change: c.3743C>T on transcript NM_006514.4 (MANE Select); coding-DNA position 3743, C replaced by T.
Protein change: p.Ala1248Val; replaces alanine 1248 with valine.
Molecular consequence: missense variant.
Genome position (GRCh38, 1-based): chr3:38,714,019, G>A on the plus strand (C>T on the coding strand, the complement: SCN10A is on the minus strand). VCF-style: chr3-38714019-G-A. GRCh37 (hg19) VCF-style: chr3-38755510-G-A.
Other names: c.3740C>T, p.Ala1247Val (NM_001293306.2); c.3449C>T, p.Ala1150Val (NM_001293307.2); short protein forms A1150V, A1248V, A1247V.
Identifiers: ClinVar variation 4160538 (VCV004160538.1).

ClinVar aggregate classification (germline): Uncertain significance (1 of 4 stars; one submission).

Conditions:
Cardiovascular phenotype. Identifiers: MedGen CN230736.

gnomAD v4.1: 4 of 1,614,184 alleles (0.00025%); highest among the groups gnomAD compares: Non-Finnish European, 0.00034%; no homozygotes.

Submission:

Ambry Genetics
Classification: Uncertain significance for Cardiovascular phenotype. Last evaluated: 2025-06-16. Review status: criteria provided, single submitter. Criteria: Ambry Variant Classification Scheme 2023. Collection method: clinical testing. Allele origin: germline.
Comment: The p.A1248V variant (also known as c.3743C>T), located in coding exon 21 of the SCN10A gene, results from a C to T substitution at nucleotide position 3743. The alanine at codon 1248 is replaced by valine, an amino acid with similar properties. This amino acid position is conserved. In addition, the in silico prediction for this alteration is inconclusive. Based on the available evidence, the clinical significance of this variant remains unclear.